The following is an entry in ClinVar:

NM_003183.6(ADAM17):c.126C>T (p.Tyr42=)

Gene: ADAM17 (ADAM metallopeptidase domain 17; minus strand). Cytogenetic location: 2p25.1.
Variant type: single nucleotide variant.
Coding change: c.126C>T on transcript NM_003183.6 (MANE Select); coding-DNA position 126, C replaced by T.
Protein change: p.Tyr42=; no amino-acid change (tyrosine 42 retained).
Molecular consequence: synonymous variant. On other transcripts: 5 prime UTR variant (2).
Genome position (GRCh38, 1-based): chr2:9,543,257, G>A on the plus strand (C>T on the coding strand, the complement: ADAM17 is on the minus strand). VCF-style: chr2-9543257-G-A. GRCh37 (hg19) VCF-style: chr2-9683386-G-A.
Other names: c.-555C>T (NM_001382777.1); c.-797C>T (NM_001382778.1).
Identifiers: ClinVar variation 2779419 (VCV002779419.3), dbSNP rs1327534211, ClinGen allele CA424802030.

ClinVar aggregate classification (germline): Uncertain significance (1 of 4 stars; one submission).

Conditions:
Inflammatory skin and bowel disease, neonatal, 1. Identifiers: Orphanet 294023, MedGen C3280501, MONDO:0013693, OMIM 614328.

gnomAD v4.1: 6 of 1,604,386 alleles (0.00037%); highest among the groups gnomAD compares: South Asian, 0.0022%; no homozygotes.

Submission:

Labcorp Genetics (formerly Invitae), Labcorp
Classification: Uncertain significance for Inflammatory skin and bowel disease, neonatal, 1. Last evaluated: 2023-08-01. Review status: criteria provided, single submitter. Criteria: Invitae Variant Classification Sherloc (09022015). Collection method: clinical testing. Allele origin: germline.
Comment: In summary, the available evidence is currently insufficient to determine the role of this variant in disease. Therefore, it has been classified as a Variant of Uncertain Significance. Algorithms developed to predict the effect of sequence changes on RNA splicing suggest that this variant may create or strengthen a splice site. This variant has not been reported in the literature in individuals affected with ADAM17-related conditions. This variant is present in population databases (no rsID available, gnomAD 0.007%). This sequence change affects codon 42 of the ADAM17 mRNA. It is a 'silent' change, meaning that it does not change the encoded amino acid sequence of the ADAM17 protein.